The following is an entry in ClinVar:

ClinVar aggregate classification (germline): Pathogenic (1 of 4 stars; one submission).

Conditions:
Hereditary cancer-predisposing syndrome. Also called: Neoplastic Syndromes, Hereditary; Hereditary Cancer Syndrome; Tumor predisposition; Hereditary neoplastic syndrome. Identifiers: Orphanet 140162, MedGen C0027672, MeSH D009386, MONDO:0015356.

gnomAD v4.1: 1 of 1,614,176 alleles (0.000062%); highest among the groups gnomAD compares: South Asian, 0.0011%; no homozygotes.

Submission:

Ambry Genetics
Classification: Pathogenic for Hereditary cancer-predisposing syndrome. Last evaluated: 2025-02-28. Review status: criteria provided, single submitter. Criteria: Ambry Variant Classification Scheme 2023. Collection method: clinical testing. Allele origin: germline.
Comment: The p.G149* pathogenic mutation (also known as c.445G>T), located in coding exon 3 of the RAD51C gene, results from a G to T substitution at nucleotide position 445. This changes the amino acid from a glycine to a stop codon within coding exon 3. This variant is considered to be rare based on population cohorts in the Genome Aggregation Database (gnomAD). This alteration is expected to result in loss of function by premature protein truncation or nonsense-mediated mRNA decay. As such, this alteration is interpreted as a disease-causing mutation.

NM_058216.3(RAD51C):c.445G>T (p.Gly149Ter)

Gene: RAD51C (RAD51 paralog C; plus strand). Cytogenetic location: 17q22.
Variant type: single nucleotide variant.
Coding change: c.445G>T on transcript NM_058216.3 (MANE Select); coding-DNA position 445, G replaced by T.
Protein change: p.Gly149Ter; replaces glycine 149 with a stop codon.
Molecular consequence: nonsense.
Genome position (GRCh38, 1-based): chr17:58,696,733, G>T. VCF-style: chr17-58696733-G-T. GRCh37 (hg19) VCF-style: chr17-56774094-G-T.
Other names: short protein forms G149*.
Identifiers: ClinVar variation 3786497 (VCV003786497.1).